The following is an entry in ClinVar:

ClinVar aggregate classification (germline): Likely benign (1 of 4 stars; one submission).

Allele frequency attached by ClinVar (database versions not stated): 1000 Genomes Project 30x 0.00016.
gnomAD v4.1: 276 of 1,603,402 alleles (0.017%); highest among the groups gnomAD compares: Admixed American, 0.035%; no homozygotes.

Submission:

CeGaT Center for Human Genetics Tuebingen
Classification: Likely benign. Last evaluated: 2022-05-01. Review status: criteria provided, single submitter. Criteria: CeGaT Center For Human Genetics Tuebingen Variant Classification Criteria Version 2. Collection method: clinical testing. Allele origin: germline. Affected: yes. Observed: 1 variant allele.
Comment: CAPN15: BP4, BP7

NM_005632.3(CAPN15):c.2718G>A (p.Pro906=)

Gene: CAPN15 (calpain 15; plus strand). Cytogenetic location: 16p13.3.
Variant type: single nucleotide variant.
Coding change: c.2718G>A on transcript NM_005632.3 (MANE Select); coding-DNA position 2718, G replaced by A.
Protein change: p.Pro906=; no amino-acid change (proline 906 retained).
Molecular consequence: synonymous variant.
Genome position (GRCh38, 1-based): chr16:552,511, G>A. VCF-style: chr16-552511-G-A. GRCh37 (hg19) VCF-style: chr16-602511-G-A.
Identifiers: ClinVar variation 2645818 (VCV002645818.24), dbSNP rs58193217, ClinGen allele CA7778887.